The following continues an entry in ClinVar:

NM_000257.4(MYH7):c.1370T>C (p.Ile457Thr)

Gene: MYH7. ClinVar aggregate classification (germline): Likely pathogenic. Likely pathogenic (1).

Submissions 17 to 19 of 19:

Laboratory for Molecular Medicine, Mass General Brigham Personalized Medicine
Classification: Likely pathogenic for Hypertrophic cardiomyopathy. Last evaluated: 2019-08-29. Review status: criteria provided, single submitter. Criteria: LMM Criteria. Collection method: clinical testing. Allele origin: germline. Observed: 7 variant alleles. Not counted in ClinVar's aggregate classification.
Comment: The p.Ile457Thr variant in MYH7 has been reported in at least 10 individuals with HCM (WaldmÃ¼ller 2011, Fokstuen 2011, Murphy 2016, Walsh 2016, Viswanathan 2017, LMM data). This variant has been identified in 1/113764 European chromosomes by gnomAD. This variant has been reported in ClinVar (Variant ID: 42840). Computational prediction tools and conservation analyses suggest that this variant may impact the protein, though this information is not predictive enough to determine pathogenicity. Of note, this variant lies in the head region of the protein and missense variants in this region are statistically more likely to be disease-associated (Walsh 2016). In summary, although additional studies are required to fully establish its clinical significance, this variant meets criteria to be classified as likely pathogenic for autosomal dominant HCM. ACMG/AMP Criteria applied: PM1, PM2, PS4_Moderate, PP3.

Human Genome Sequencing Center Clinical Lab, Baylor College of Medicine
Classification: Likely pathogenic for Familial hypertrophic cardiomyopathy 1. Last evaluated: 2018-10-14. Review status: criteria provided, single submitter. Criteria: ACMG Guidelines, 2015. Collection method: clinical testing. Allele origin: germline. Not counted in ClinVar's aggregate classification.
Comment: The c.1324C>T (p.Arg442Cys) variant in the MYH7 gene has been reported in multiple unrelated patients affected with hypertrophic cardiomyopathy (PMID 21239446, 21750094, 26914223, 27247418, 27532257) and is extremely rare in general population databases. This variant is located in the critical myosin head domain of MYH7 and is predicted to be damaging by multiple in silico algorithms. Therefore, this c.1324C>T (p.Arg442Cys) variant in the MYH7 gene is classified as likely pathogenic. [yunyun, 2018-10-14]

Agnes Ginges Centre for Molecular Cardiology, Centenary Institute
Classification: Likely pathogenic for Hypertrophic cardiomyopathy 1. Last evaluated: 2017-03-21. Review status: criteria provided, single submitter. Criteria: ACMG Guidelines, 2015. Collection method: research. Allele origin: germline. Affected: yes. Not counted in ClinVar's aggregate classification.
Comment: This MYH7 Ile457Thr variant has been previously described in the literature in 9 HCM patients (Waldmuller S, et al., 2011; Fokstuen S, et al., 2011; Helms As, et al., 2016; Walsh et al., 2017). It is present in the Exome Aggregation Consortium dataset (MAF=0.000008) as a singleton event. In silico tools and conservation scores support a deleterious role (SIFT "Deleterious"; PolyPhen-2 "Probably-damaging"; PolyPhen-HCM "Pathogenic"; MutationTaster "Disease-causing"). In a large HCM population study Walsh et al., showed that MYH7 variants identified in HCM cases were found to cluster between amino acids 181- 937 (2017), this implies that variants in this region are likely to cause a HCM phenotype. Based on this evidence, we classify MYH7 Ile457Thr as "likely pathogenic".

Literature cited by the submitters: PubMed 21750094 (cited by 10 submitters); PubMed 26914223 (cited by 5 submitters); PubMed 27247418 (cited by 6 submitters); PubMed 27532257 (cited by 7 submitters); PubMed 27688314 (cited by 7 submitters); PubMed 28615295 (cited by 6 submitters); PubMed 29121657 (cited by 5 submitters); PubMed 31213605 (cited by 5 submitters); PubMed 31068177 (cited by 4 submitters); PubMed 21239446 (cited by 8 submitters); PubMed 28408708 (cited by 3 submitters); PubMed 28640247 (cited by Ambry Genetics and Mayo Clinic Laboratories, Mayo Clinic); PubMed 32894683 (cited by 3 submitters); PubMed 37652022 (cited by Variantyx, Inc. and Mayo Clinic Laboratories, Mayo Clinic); PubMed 28606303 (cited by Mayo Clinic Laboratories, Mayo Clinic); PubMed 28790153 (cited by 3 submitters); PubMed 35026164 (cited by 3 submitters); PubMed 35767336 (cited by Mayo Clinic Laboratories, Mayo Clinic); PubMed 36225299 (cited by Mayo Clinic Laboratories, Mayo Clinic); PubMed 39192034 (cited by Mayo Clinic Laboratories, Mayo Clinic); PubMed 39642868 (cited by Mayo Clinic Laboratories, Mayo Clinic); PubMed 30297972 (cited by Women's Health and Genetics/Laboratory Corporation of America, LabCorp).